The following is an entry in ClinVar:

ClinVar aggregate classification (germline): Pathogenic (1 of 4 stars; one submission).

Conditions:
Ehlers-Danlos syndrome, classic type, 1 (EDSCL1). Also called: Ehlers-Danlos Syndrome, Classic Type, COL5A1-Related; EHLERS-DANLOS SYNDROME, GRAVIS TYPE; EHLERS-DANLOS SYNDROME, SEVERE CLASSIC TYPE; Ehlers-Danlos syndrome, type 1; EDS I. Identifiers: MedGen C0268335, MONDO:0019567, OMIM 130000.
Osteogenesis imperfecta type I (OI1). Also called: OI, TYPE I; OSTEOGENESIS IMPERFECTA TARDA; OSTEOGENESIS IMPERFECTA WITH BLUE SCLERAE; Osteogenesis imperfecta type 1; Classic Non-deforming Osteogenesis Imperfecta with Blue Sclerae; Lobstein's Disease. Identifiers: Orphanet 216796, Orphanet 666, MedGen C0023931, MONDO:0008146, OMIM 166200. Disease mechanism: loss of function.

Submission:

Labcorp Genetics (formerly Invitae), Labcorp
Classification: Pathogenic for Osteogenesis imperfecta type I; Ehlers-Danlos syndrome, classic type, 1. Last evaluated: 2024-04-18. Review status: criteria provided, single submitter. Criteria: Invitae Variant Classification Sherloc (09022015). Collection method: clinical testing. Allele origin: germline.
Comment: This sequence change replaces glycine, which is neutral and non-polar, with valine, which is neutral and non-polar, at codon 493 of the COL1A2 protein (p.Gly493Val). This variant is not present in population databases (gnomAD no frequency). This missense change has been observed in individual(s) with osteogenesis imperfecta (PMID: 24668929). It has also been observed to segregate with disease in related individuals. ClinVar contains an entry for this variant (Variation ID: 2136564). Advanced modeling of protein sequence and biophysical properties (such as structural, functional, and spatial information, amino acid conservation, physicochemical variation, residue mobility, and thermodynamic stability) performed at Invitae indicates that this missense variant is expected to disrupt COL1A2 protein function with a positive predictive value of 95%. This variant disrupts the triple helix domain of COL1A2. Glycine residues within the Gly-Xaa-Yaa repeats of the triple helix domain are required for the structure and stability of fibrillar collagens (PMID: 7695699, 8218237, 19344236). In COL1A2, variants affecting these glycine residues are significantly enriched in individuals with disease (PMID: 9016532, 17078022) compared to the general population (ExAC). For these reasons, this variant has been classified as Pathogenic.

Literature cited by the submitters: PubMed 24668929; PubMed 7695699; PubMed 8218237; PubMed 19344236; PubMed 9016532; PubMed 17078022.

NM_000089.4(COL1A2):c.1478G>T (p.Gly493Val)

Gene: COL1A2 (collagen type I alpha 2 chain; plus strand). Cytogenetic location: 7q21.3.
Variant type: single nucleotide variant.
Coding change: c.1478G>T on transcript NM_000089.4 (MANE Select); coding-DNA position 1478, G replaced by T.
Protein change: p.Gly493Val; replaces glycine 493 with valine.
Molecular consequence: missense variant.
Genome position (GRCh38, 1-based): chr7:94,412,657, G>T. VCF-style: chr7-94412657-G-T. GRCh37 (hg19) VCF-style: chr7-94041969-G-T.
Other names: short protein forms G493V.
Identifiers: ClinVar variation 2136564 (VCV002136564.4), dbSNP rs72658121, ClinGen allele CA368221927.
Genomic context (GRCh38, chr7:94,412,657, plus strand): 5'-TCGACGGCAGGCCTGGCCCAATTGGCCCAGCTGGAGCAAGAGGAGAGCCTGGCAACATTG[G>T]ATTCCCTGGACCCAAAGGCCCCACTGTAAGAATCACCACAACTTTCTTACCCTCAGCACT-3'
Protein context (NP_000080.2, residues 483-503): AGARGEPGNI[Gly493Val]FPGPKGPTGD